The following is an entry in ClinVar:

NM_025137.4(SPG11):c.4341A>G (p.Gln1447=)

Gene: SPG11 (SPG11 vesicle trafficking associated, spatacsin; minus strand). Cytogenetic location: 15q21.1.
Variant type: single nucleotide variant.
Coding change: c.4341A>G on transcript NM_025137.4 (MANE Select); coding-DNA position 4341, A replaced by G.
Protein change: p.Gln1447=; no amino-acid change (glutamine 1447 retained).
Molecular consequence: synonymous variant.
Genome position (GRCh38, 1-based): chr15:44,596,176, T>C on the plus strand (A>G on the coding strand, the complement: SPG11 is on the minus strand). VCF-style: chr15-44596176-T-C. GRCh37 (hg19) VCF-style: chr15-44888374-T-C.
Other names: c.4341A>G, p.Gln1447= (NM_001160227.2).
Identifiers: ClinVar variation 965303 (VCV000965303.8), dbSNP rs369058599, ClinGen allele CA270091572.

ClinVar aggregate classification (germline): Likely benign. Review status: criteria provided, multiple submitters, no conflicts (2 of 4 stars). 2 submissions from 2 submitters: Likely benign (2). Last evaluated 2026-08-03.

Conditions:
SPG11-related disorder. Also called: SPG11-related condition.
Hereditary spastic paraplegia 11. Also called: Spastic Paraplegia 11; SPASTIC PARAPLEGIA, AUTOSOMAL RECESSIVE, COMPLICATED, WITH THIN CORPUS CALLOSUM; SPASTIC PARAPLEGIA, AUTOSOMAL RECESSIVE, WITH MENTAL IMPAIRMENT AND THIN CORPUS CALLOSUM; Spastic paraplegia, mental retardation and thin corpus callosum; Nakamura Osame syndrome; Autosomal recessive hereditary spastic paraplegia, mental impairment, and thin corpus callosum. Identifiers: Orphanet 2822, MedGen C1858479, MONDO:0011445, OMIM 604360.

Allele frequency attached by ClinVar (database versions not stated): gnomAD exomes below 0.00001; TOPMed 0.00001.
gnomAD v4.1: 10 of 1,614,174 alleles (0.00062%); highest among the groups gnomAD compares: Admixed American, 0.0033%; 1 homozygote.

Submissions (2):

PreventionGenetics, part of Exact Sciences
Classification: Likely benign for SPG11-related condition. Last evaluated: 2026-08-03. Review status: criteria provided, single submitter. Criteria: ACMG Guidelines, 2015. Collection method: clinical testing. Allele origin: germline.
Comment: This variant is classified as likely benign based on ACMG/AMP sequence variant interpretation guidelines (Richards et al. 2015 PMID: 25741868, with internal and published modifications).

Labcorp Genetics (formerly Invitae), Labcorp
Classification: Likely benign for Hereditary spastic paraplegia 11. Last evaluated: 2025-07-30. Review status: criteria provided, single submitter. Criteria: Invitae Variant Classification Sherloc (09022015). Collection method: clinical testing. Allele origin: germline.